The following is an entry in ClinVar:

ClinVar aggregate classification (germline): Uncertain significance. Review status: criteria provided, multiple submitters, no conflicts (2 of 4 stars). 2 submissions from 2 submitters: Uncertain significance (2). Last evaluated 2023-05-03.

Conditions:
Inborn genetic diseases. Identifiers: MedGen C0950123, MeSH D030342.

Allele frequency attached by ClinVar (database versions not stated): ExAC 0.00001; gnomAD 0.00001; TOPMed 0.00001; gnomAD exomes 0.00002.
gnomAD v4.1: 16 of 1,613,430 alleles (0.00099%); highest among the groups gnomAD compares: East Asian, 0.025%; no homozygotes.

Submissions (2):

Ambry Genetics
Classification: Uncertain significance for Inborn genetic diseases. Last evaluated: 2023-05-03. Review status: criteria provided, single submitter. Criteria: Ambry Variant Classification Scheme 2023. Collection method: clinical testing. Allele origin: germline.

Labcorp Genetics (formerly Invitae), Labcorp
Classification: Uncertain significance. Last evaluated: 2021-12-23. Review status: criteria provided, single submitter. Criteria: Invitae Variant Classification Sherloc (09022015). Collection method: clinical testing. Allele origin: germline.
Comment: This variant has not been reported in the literature in individuals affected with GPSM2-related conditions. This variant is present in population databases (rs769492005, gnomAD 0.01%). This sequence change replaces arginine, which is basic and polar, with cysteine, which is neutral and slightly polar, at codon 573 of the GPSM2 protein (p.Arg573Cys). Algorithms developed to predict the effect of missense changes on protein structure and function are either unavailable or do not agree on the potential impact of this missense change (SIFT: "Deleterious"; PolyPhen-2: "Possibly Damaging"; Align-GVGD: "Class C0"). In summary, the available evidence is currently insufficient to determine the role of this variant in disease. Therefore, it has been classified as a Variant of Uncertain Significance.

NM_013296.5(GPSM2):c.1717C>T (p.Arg573Cys)

Gene: GPSM2 (G protein signaling modulator 2; plus strand). Cytogenetic location: 1p13.3.
Variant type: single nucleotide variant.
Coding change: c.1717C>T on transcript NM_013296.5 (MANE Select); coding-DNA position 1717, C replaced by T.
Protein change: p.Arg573Cys; replaces arginine 573 with cysteine.
Molecular consequence: missense variant.
Genome position (GRCh38, 1-based): chr1:108,924,116, C>T. VCF-style: chr1-108924116-C-T. GRCh37 (hg19) VCF-style: chr1-109466738-C-T.
Other names: c.1717C>T, p.Arg573Cys (NM_001321038.2, NM_001321039.3); c.1717C>T (NM_013296.4); short protein forms R573C.
Identifiers: ClinVar variation 2173455 (VCV002173455.6), dbSNP rs769492005, ClinGen allele CA983156.